The following is an entry in ClinVar:

NM_001292034.3(TAB2):c.287G>A (p.Arg96Lys)

Gene: TAB2 (TGF-beta activated kinase 1 (MAP3K7) binding protein 2; plus strand). Cytogenetic location: 6q25.1.
Variant type: single nucleotide variant.
Coding change: c.287G>A on transcript NM_001292034.3 (MANE Select); coding-DNA position 287, G replaced by A.
Protein change: p.Arg96Lys; replaces arginine 96 with lysine.
Molecular consequence: missense variant.
Genome position (GRCh38, 1-based): chr6:149,378,202, G>A. VCF-style: chr6-149378202-G-A. GRCh37 (hg19) VCF-style: chr6-149699338-G-A.
Other names: c.191G>A, p.Arg64Lys (NM_001292035.3); c.287G>A, p.Arg96Lys (NM_001369506.1, NM_015093.6); short protein forms R64K, R96K.
Identifiers: ClinVar variation 1030405 (VCV001030405.5), dbSNP rs1781470267, ClinGen allele CA365993242.

ClinVar aggregate classification (germline): Uncertain significance. Review status: criteria provided, multiple submitters, no conflicts (2 of 4 stars). 2 submissions from 2 submitters: Uncertain significance (2). Last evaluated 2025-03-01.

Conditions:
Congenital heart defects, multiple types, 2 (CHTD2). Also called: Congenital heart defects, nonsyndromic, 2. Identifiers: Orphanet 664401, MedGen C3554279, MONDO:0014000, OMIM 614980.

Allele frequency attached by ClinVar (database versions not stated): gnomAD exomes below 0.00001.
gnomAD v4.1: 6 of 1,614,182 alleles (0.00037%); highest among the groups gnomAD compares: Non-Finnish European, 0.00051%; no homozygotes.

Submissions (2):

Labcorp Genetics (formerly Invitae), Labcorp
Classification: Uncertain significance. Last evaluated: 2025-03-01. Review status: criteria provided, single submitter. Criteria: Invitae Variant Classification Sherloc (09022015). Collection method: clinical testing. Allele origin: germline.
Comment: This sequence change replaces arginine, which is basic and polar, with lysine, which is basic and polar, at codon 96 of the TAB2 protein (p.Arg96Lys). This variant is not present in population databases (gnomAD no frequency). This variant has not been reported in the literature in individuals affected with TAB2-related conditions. ClinVar contains an entry for this variant (Variation ID: 1030405). Invitae Evidence Modeling of protein sequence and biophysical properties (such as structural, functional, and spatial information, amino acid conservation, physicochemical variation, residue mobility, and thermodynamic stability) indicates that this missense variant is not expected to disrupt TAB2 protein function with a negative predictive value of 80%. Experimental studies are conflicting or provide insufficient evidence to determine the effect of this variant on TAB2 function (PMID: 36229919). In summary, the available evidence is currently insufficient to determine the role of this variant in disease. Therefore, it has been classified as a Variant of Uncertain Significance.

Baylor Genetics
Classification: Uncertain significance for Congenital heart defects, multiple types, 2. Last evaluated: 2020-06-11. Review status: criteria provided, single submitter. Criteria: ACMG Guidelines, 2015. Collection method: clinical testing. Allele origin: unknown. Affected: yes.
Comment: This variant was determined to be of uncertain significance according to ACMG Guidelines, 2015 [PMID:25741868].

Literature cited by the submitters: PubMed 36229919 (cited by Labcorp Genetics (formerly Invitae), Labcorp).